The following is an entry in ClinVar:

ClinVar aggregate classification (germline): Uncertain significance (1 of 4 stars; one submission).

Submission:

CeGaT Center for Human Genetics Tuebingen
Classification: Uncertain significance. Last evaluated: 2026-08-01. Review status: criteria provided, single submitter. Criteria: CeGaT Center For Human Genetics Tuebingen Variant Classification Criteria Version 2. Collection method: clinical testing. Allele origin: germline. Affected: yes. Observed: 1 variant allele.
Comment: SOX9: PM2

NM_000346.4(SOX9):c.1051_1052delinsAAGGCCCCGCC (p.Gln351delinsLysAlaProPro)

Gene: SOX9 (SRY-box transcription factor 9; plus strand). Cytogenetic location: 17q24.3.
Variant type: Indel.
Coding change: c.1051_1052delinsAAGGCCCCGCC on transcript NM_000346.4 (MANE Select); coding-DNA positions 1051 to 1052, CA replaced by AAGGCCCCGCC.
Protein change: p.Gln351delinsLysAlaProPro.
Molecular consequence: inframe indel.
Genome position (GRCh38, 1-based): chr17:72,123,908-72,123,909, CA replaced by AAGGCCCCGCC. VCF-style: chr17-72123908-CA-AAGGCCCCGCC. GRCh37 (hg19) VCF-style: chr17-70120049-CA-AAGGCCCCGCC.
Identifiers: ClinVar variation 5040760 (VCV005040760.1).
Genomic context (GRCh38, chr17:72,123,908, plus strand): 5'-GCGGGCCACGTGTGGATGTCCAAGCAGCAGGCGCCGCCGCCACCCCCGCAGCAGCCCCCA[CA>AAGGCCCCGCC]GGCCCCGCCGGCCCCGCAGGCGCCCCCGCAGCCGCAGGCGGCGCCCCCACAGCAGCCGGC-3'